The following is an entry in ClinVar:

ClinVar aggregate classification (germline): Uncertain significance. Review status: criteria provided, multiple submitters, no conflicts (2 of 4 stars). 2 submissions from 2 submitters: Uncertain significance (2). Last evaluated 2024-02-17.

Allele frequency attached by ClinVar (database versions not stated): gnomAD 0.00001.
gnomAD v4.1: 3 of 1,614,042 alleles (0.00019%); highest among the groups gnomAD compares: African/African-American, 0.0027%; no homozygotes.

Submissions (2):

Labcorp Genetics (formerly Invitae), Labcorp
Classification: Uncertain significance. Last evaluated: 2024-02-17. Review status: criteria provided, single submitter. Criteria: Invitae Variant Classification Sherloc (09022015). Collection method: clinical testing. Allele origin: germline.
Comment: This sequence change replaces glutamic acid, which is acidic and polar, with lysine, which is basic and polar, at codon 1209 of the KANK1 protein (p.Glu1209Lys). This variant is present in population databases (no rsID available, gnomAD 0.01%). This variant has not been reported in the literature in individuals affected with KANK1-related conditions. ClinVar contains an entry for this variant (Variation ID: 2065135). Advanced modeling of protein sequence and biophysical properties (such as structural, functional, and spatial information, amino acid conservation, physicochemical variation, residue mobility, and thermodynamic stability) has been performed at Invitae for this missense variant, however the output from this modeling did not meet the statistical confidence thresholds required to predict the impact of this variant on KANK1 protein function. In summary, the available evidence is currently insufficient to determine the role of this variant in disease. Therefore, it has been classified as a Variant of Uncertain Significance.

Ambry Genetics
Classification: Uncertain significance. Last evaluated: 2022-08-17. Review status: criteria provided, single submitter. Criteria: Ambry Variant Classification Scheme 2023. Collection method: clinical testing. Allele origin: germline.

NM_015158.5(KANK1):c.3625G>A (p.Glu1209Lys)

Gene: KANK1 (KN motif and ankyrin repeat domains 1; plus strand). Cytogenetic location: 9p24.3.
Variant type: single nucleotide variant.
Coding change: c.3625G>A on transcript NM_015158.5 (MANE Select); coding-DNA position 3625, G replaced by A.
Protein change: p.Glu1209Lys; replaces glutamic acid 1209 with lysine.
Molecular consequence: missense variant. On other transcripts: non-coding transcript variant (1).
Genome position (GRCh38, 1-based): chr9:740,863, G>A. VCF-style: chr9-740863-G-A. GRCh37 (hg19) VCF-style: chr9-740863-G-A.
Other names: c.3625G>A, p.Glu1209Lys (NM_001256876.3, NM_001256877.3, NM_001354334.2); c.3385G>A, p.Glu1129Lys (NM_001354331.2); c.3571G>A, p.Glu1191Lys (NM_001354332.2); c.3151G>A, p.Glu1051Lys (NM_001354333.2, NM_001354335.2, NM_001354337.2 and 2 more transcripts); c.2857G>A, p.Glu953Lys (NM_001354336.2); c.3097G>A, p.Glu1033Lys (NM_001354338.2, NM_001354340.2, NM_001354344.2); c.2911G>A, p.Glu971Lys (NM_001354339.2, NM_001354342.2, NM_001354343.2); short protein forms E1209K, E953K, E1191K, E971K, E1033K, E1051K, E1129K.
Identifiers: ClinVar variation 2065135 (VCV002065135.5), dbSNP rs1398815688, ClinGen allele CA372761177.
Genomic context (GRCh38, chr9:740,863, plus strand): 5'-GTGGATCACCAGAACAAGGCAGGCTACACCCCCATCATGTTGGCGGCCCTCGCCGCTGTG[G>A]AAGCAGAGAAGGACATGCGGATTGTGGAAGAACTCTTCGGCTGTGGGGATGTGAATGCCA-3'
Protein context (NP_055973.2, residues 1199-1219): PIMLAALAAV[Glu1209Lys]AEKDMRIVEE